The following is an entry in ClinVar:

NM_000051.4(ATM):c.3153+7_3153+8insA

Gene: ATM (ATM serine/threonine kinase; plus strand). Cytogenetic location: 11q22.3.
Variant type: Insertion.
Coding change: c.3153+7_3153+8insA on transcript NM_000051.4 (MANE Select); bases 7 to 8 of the intron after coding-DNA position 3153, A inserted.
Molecular consequence: intron variant.
Genome position: GRCh38 VCF-style: chr11-108272614-T-TA. GRCh37 (hg19) VCF-style: chr11-108143341-T-TA.
Other names: c.3153+7_3153+8insA (NM_001351834.2).
Identifiers: ClinVar variation 236699 (VCV000236699.9), dbSNP rs878853500, ClinGen allele CA10582808.

ClinVar aggregate classification (germline): Likely benign. Review status: criteria provided, multiple submitters, no conflicts (2 of 4 stars). 2 submissions from 2 submitters: Likely benign (2). Last evaluated 2024-05-13.

Conditions:
Ataxia-telangiectasia syndrome (AT). Also called: Ataxia telangiectasia (A-T); LOUIS-BAR SYNDROME; Cerebello-oculocutaneous telangiectasia; Immunodeficiency with ataxia telangiectasia; ATAXIA-TELANGIECTASIA, COMPLEMENTATION GROUP A; ATAXIA-TELANGIECTASIA, FRESNO VARIANT. Identifiers: Orphanet 100, MedGen C0004135, MONDO:0008840, OMIM 208900.
Familial cancer of breast. Also called: hereditary breast carcinoma; BREAST CANCER, FAMILIAL; Hereditary breast cancer. Identifiers: Orphanet 227535, MedGen C0346153, MONDO:0016419, OMIM 114480. Disease mechanism: loss of function.

Allele frequency attached by ClinVar (database versions not stated): TOPMed below 0.00001.

Submissions (2):

Myriad Genetics, Inc.
Classification: Likely benign for Familial cancer of breast. Last evaluated: 2024-05-13. Review status: criteria provided, single submitter. Criteria: Myriad Autosomal Dominant, Autosomal Recessive and X-Linked Classification Criteria (2023). Collection method: clinical testing. Allele origin: unknown.
Comment: This variant is considered likely benign. This variant is intronic and is not expected to impact mRNA splicing.

Labcorp Genetics (formerly Invitae), Labcorp
Classification: Likely benign for Ataxia-telangiectasia syndrome. Last evaluated: 2021-08-19. Review status: criteria provided, single submitter. Criteria: Invitae Variant Classification Sherloc (09022015). Collection method: clinical testing. Allele origin: germline.